The following is an entry in ClinVar:

ClinVar aggregate classification (germline): Likely pathogenic (1 of 4 stars; one submission).

Submission:

GeneDx
Classification: Likely pathogenic. Last evaluated: 2025-06-25. Review status: criteria provided, single submitter. Criteria: GeneDx Variant Classification Process June 2021. Collection method: clinical testing. Allele origin: germline. Affected: yes.
Comment: Not observed at significant frequency in large population cohorts (gnomAD); Intronic +5 splice site variant in a gene for which loss of function is a known mechanism of disease, and both splice predictors and evolutionary conservation support a deleterious effect, although in the absence of functional evidence the actual effect of this sequence change is unknown.; Has not been previously published as pathogenic or benign to our knowledge

NM_130837.3(OPA1):c.1377+5G>T

Gene: OPA1 (OPA1 mitochondrial dynamin like GTPase; plus strand). Cytogenetic location: 3q29.
Variant type: single nucleotide variant.
Coding change: c.1377+5G>T on transcript NM_130837.3 (MANE Select); 5 bases into the intron after coding-DNA position 1377, G replaced by T.
Molecular consequence: intron variant.
Genome position (GRCh38, 1-based): chr3:193,643,449, G>T. VCF-style: chr3-193643449-G-T. GRCh37 (hg19) VCF-style: chr3-193361238-G-T.
Other names: c.840+5G>T (NM_001354664.2); c.843+5G>T (NM_001354663.2); c.1266+5G>T (NM_130834.3); c.1323+5G>T (NM_130836.3); c.1212+5G>T (NM_015560.3); c.1269+5G>T (NM_130835.3); c.1158+5G>T (NM_130832.3); c.1215+5G>T (NM_130833.3); and 1 more.
Identifiers: ClinVar variation 214908 (VCV000214908.3), dbSNP rs863224136, ClinGen allele CA324867.